The following is an entry in ClinVar:

ClinVar aggregate classification (germline): Likely benign (1 of 4 stars; one submission).

Conditions:
Familial cancer of breast. Also called: hereditary breast carcinoma; Hereditary breast cancer; BREAST CANCER, FAMILIAL. Identifiers: Orphanet 227535, MedGen C0346153, MONDO:0016419, OMIM 114480. Disease mechanism: loss of function.

Submission:

Myriad Genetics, Inc.
Classification: Likely benign for Familial cancer of breast. Last evaluated: 2024-09-04. Review status: criteria provided, single submitter. Criteria: Myriad Autosomal Dominant, Autosomal Recessive and X-Linked Classification Criteria (2023). Collection method: clinical testing. Allele origin: unknown.
Comment: This variant is considered likely benign. This variant is intronic and is not expected to impact mRNA splicing.

NM_032043.3(BRIP1):c.2258-12C>T

Gene: BRIP1 (BRCA1 interacting DNA helicase 1; minus strand). Cytogenetic location: 17q23.2.
Variant type: single nucleotide variant.
Coding change: c.2258-12C>T on transcript NM_032043.3 (MANE Select); 12 bases into the intron before coding-DNA position 2258, C replaced by T.
Molecular consequence: intron variant.
Genome position (GRCh38, 1-based): chr17:61,743,146, G>A on the plus strand (C>T on the coding strand, the complement: BRIP1 is on the minus strand). VCF-style: chr17-61743146-G-A. GRCh37 (hg19) VCF-style: chr17-59820507-G-A.
Identifiers: ClinVar variation 3378564 (VCV003378564.1).